The following is an entry in ClinVar:

NM_000264.5(PTCH1):c.4027G>T (p.Gly1343Trp)

Gene: PTCH1 (patched 1; minus strand). Cytogenetic location: 9q22.32.
Variant type: single nucleotide variant.
Coding change: c.4027G>T on transcript NM_000264.5 (MANE Select); coding-DNA position 4027, G replaced by T.
Protein change: p.Gly1343Trp; replaces glycine 1343 with tryptophan.
Molecular consequence: missense variant. On other transcripts: non-coding transcript variant (1).
Genome position (GRCh38, 1-based): chr9:95,447,229, C>A on the plus strand (G>T on the coding strand, the complement: PTCH1 is on the minus strand). VCF-style: chr9-95447229-C-A. GRCh37 (hg19) VCF-style: chr9-98209511-C-A.
Other names: c.3829G>T, p.Gly1277Trp (NM_001083602.3); c.4024G>T, p.Gly1342Trp (NM_001083603.3); c.3574G>T, p.Gly1192Trp (NM_001083604.3, NM_001083605.3, NM_001083606.3 and 1 more transcripts); c.3871G>T, p.Gly1291Trp (NM_001354918.2); short protein forms G1192W, G1291W, G1342W, G1343W, G1277W.
Identifiers: ClinVar variation 959509 (VCV000959509.10), dbSNP rs200100952, ClinGen allele CA374110451.

ClinVar aggregate classification (germline): Uncertain significance (1 of 4 stars; one submission).

Conditions:
Gorlin syndrome. Also called: Basal cell nevus syndrome; Nevoid Basal Cell Carcinoma Syndrome. Identifiers: Orphanet 377, MedGen C0004779, MONDO:0007187.

gnomAD v4.1: 1 of 1,611,580 alleles (0.000062%); highest among the groups gnomAD compares: African/African-American, 0.0013%; no homozygotes.

Submission:

Labcorp Genetics (formerly Invitae), Labcorp
Classification: Uncertain significance for Gorlin syndrome. Last evaluated: 2022-05-27. Review status: criteria provided, single submitter. Criteria: Invitae Variant Classification Sherloc (09022015). Collection method: clinical testing. Allele origin: germline.
Comment: In summary, the available evidence is currently insufficient to determine the role of this variant in disease. Therefore, it has been classified as a Variant of Uncertain Significance. Advanced modeling of protein sequence and biophysical properties (such as structural, functional, and spatial information, amino acid conservation, physicochemical variation, residue mobility, and thermodynamic stability) performed at Invitae indicates that this missense variant is not expected to disrupt PTCH1 protein function. This sequence change replaces glycine, which is neutral and non-polar, with tryptophan, which is neutral and slightly polar, at codon 1343 of the PTCH1 protein (p.Gly1343Trp). This variant is not present in population databases (gnomAD no frequency). This variant has not been reported in the literature in individuals affected with PTCH1-related conditions. ClinVar contains an entry for this variant (Variation ID: 959509).